The following is an entry in ClinVar:

NM_000384.3(APOB):c.10167A>T (p.Arg3389Ser)

Gene: APOB (apolipoprotein B; minus strand). Cytogenetic location: 2p24.1.
Variant type: single nucleotide variant.
Coding change: c.10167A>T on transcript NM_000384.3 (MANE Select); coding-DNA position 10167, A replaced by T.
Protein change: p.Arg3389Ser; replaces arginine 3389 with serine.
Molecular consequence: missense variant.
Genome position (GRCh38, 1-based): chr2:21,006,701, T>A on the plus strand (A>T on the coding strand, the complement: APOB is on the minus strand). VCF-style: chr2-21006701-T-A. GRCh37 (hg19) VCF-style: chr2-21229573-T-A.
Other names: short protein forms R3389S.
Identifiers: ClinVar variation 4527986 (VCV004527986.1).

ClinVar aggregate classification (germline): Uncertain significance (1 of 4 stars; one submission).

Submission:

GeneDx
Classification: Uncertain significance. Last evaluated: 2025-05-02. Review status: criteria provided, single submitter. Criteria: GeneDx Variant Classification Process June 2021. Collection method: clinical testing. Allele origin: germline. Affected: yes.
Comment: Not observed at significant frequency in large population cohorts (gnomAD); In silico analysis supports that this missense variant has a deleterious effect on protein structure/function; Has not been previously published as pathogenic or benign to our knowledge; Also known as p.(R3362S)